The following is an entry in ClinVar:

NM_001256864.2(DNAJC6):c.181A>G (p.Met61Val)

Gene: DNAJC6 (DnaJ heat shock protein family (Hsp40) member C6; plus strand). Cytogenetic location: 1p31.3.
Variant type: single nucleotide variant.
Coding change: c.181A>G on transcript NM_001256864.2 (MANE Select); coding-DNA position 181, A replaced by G.
Protein change: p.Met61Val; replaces methionine 61 with valine.
Molecular consequence: missense variant. On other transcripts: intron variant (2).
Genome position (GRCh38, 1-based): chr1:65,309,926, A>G. VCF-style: chr1-65309926-A-G. GRCh37 (hg19) VCF-style: chr1-65775609-A-G.
Other names: c.-130-35685A>G (NM_001256865.2); c.22+44994A>G (NM_014787.4); short protein forms M61V.
Identifiers: ClinVar variation 3383691 (VCV003383691.1).

ClinVar aggregate classification (germline): Uncertain significance (1 of 4 stars; one submission).

Submission:

GeneDx
Classification: Uncertain significance. Last evaluated: 2024-05-30. Review status: criteria provided, single submitter. Criteria: GeneDx Variant Classification Process June 2021. Collection method: clinical testing. Allele origin: germline. Affected: yes.
Comment: Not observed at significant frequency in large population cohorts (gnomAD); In silico analysis indicates that this missense variant does not alter protein structure/function; Has not been previously published as pathogenic or benign to our knowledge